The following is an entry in ClinVar:

ClinVar aggregate classification (germline): Likely pathogenic (1 of 4 stars; one submission).

Submission:

Labcorp Genetics (formerly Invitae), Labcorp
Classification: Likely pathogenic. Last evaluated: 2024-02-07. Review status: criteria provided, single submitter. Criteria: Invitae Variant Classification Sherloc (09022015). Collection method: clinical testing. Allele origin: germline.
Comment: This sequence change affects an acceptor splice site in intron 19 of the ABCA4 gene. It is expected to disrupt RNA splicing. Variants that disrupt the donor or acceptor splice site typically lead to a loss of protein function (PMID: 16199547), and loss-of-function variants in ABCA4 are known to be pathogenic (PMID: 10958761, 24938718, 25312043, 26780318). This variant is not present in population databases (gnomAD no frequency). This variant has not been reported in the literature in individuals affected with ABCA4-related conditions. Algorithms developed to predict the effect of sequence changes on RNA splicing suggest that this variant may disrupt the consensus splice site. In summary, the currently available evidence indicates that the variant is pathogenic, but additional data are needed to prove that conclusively. Therefore, this variant has been classified as Likely Pathogenic.

Literature cited by the submitters: PubMed 16199547; PubMed 10958761; PubMed 24938718; PubMed 25312043; PubMed 26780318.

NM_000350.3(ABCA4):c.2919-1G>C

Gene: ABCA4 (ATP binding cassette subfamily A member 4; minus strand). Cytogenetic location: 1p22.1.
Variant type: single nucleotide variant.
Coding change: c.2919-1G>C on transcript NM_000350.3 (MANE Select); the canonical splice acceptor site of the intron before coding-DNA position 2919, G replaced by C.
Molecular consequence: splice acceptor variant.
Genome position (GRCh38, 1-based): chr1:94,044,745, C>G on the plus strand (G>C on the coding strand, the complement: ABCA4 is on the minus strand). VCF-style: chr1-94044745-C-G. GRCh37 (hg19) VCF-style: chr1-94510301-C-G.
Other names: c.2697-1G>C (NM_001425324.1).
Identifiers: ClinVar variation 3639500 (VCV003639500.2).